The following is an entry in ClinVar:

ClinVar aggregate classification (germline): Likely benign. Review status: criteria provided, multiple submitters, no conflicts (2 of 4 stars). 2 submissions from 2 submitters: Likely benign (2). Last evaluated 2026-07-07.

Conditions:
Charcot-Marie-Tooth disease type 4. Also called: Charcot-Marie-Tooth, Type 4; Charcot-Marie-Tooth disease, type IV. Identifiers: Orphanet 64749, MedGen C4082197, MONDO:0018995.
FGD4-related disorder. Also called: FGD4-related condition.

Allele frequency attached by ClinVar (database versions not stated): gnomAD exomes 0.00001; ExAC 0.00003; gnomAD 0.00003; TOPMed 0.00006; ESP Exome Variant Server 0.00008.
gnomAD v4.1: 20 of 1,614,040 alleles (0.0012%); highest among the groups gnomAD compares: African/African-American, 0.011%; no homozygotes.

Submissions (2):

PreventionGenetics, part of Exact Sciences
Classification: Likely benign for FGD4-related condition. Last evaluated: 2026-07-07. Review status: criteria provided, single submitter. Criteria: ACMG Guidelines, 2015. Collection method: clinical testing. Allele origin: germline.
Comment: This variant is classified as likely benign based on ACMG/AMP sequence variant interpretation guidelines (Richards et al. 2015 PMID: 25741868, with internal and published modifications).

Labcorp Genetics (formerly Invitae), Labcorp
Classification: Likely benign for Charcot-Marie-Tooth disease type 4. Last evaluated: 2026-01-13. Review status: criteria provided, single submitter. Criteria: Invitae Variant Classification Sherloc (09022015). Collection method: clinical testing. Allele origin: germline.

NM_001370298.3(FGD4):c.2457C>T (p.Asp819=)

Gene: FGD4 (FYVE, RhoGEF and PH domain containing 4; plus strand). Cytogenetic location: 12p11.21.
Variant type: single nucleotide variant.
Coding change: c.2457C>T on transcript NM_001370298.3 (MANE Select); coding-DNA position 2457, C replaced by T.
Protein change: p.Asp819=; no amino-acid change (aspartic acid 819 retained).
Molecular consequence: synonymous variant.
Genome position (GRCh38, 1-based): chr12:32,640,278, C>T. VCF-style: chr12-32640278-C-T. GRCh37 (hg19) VCF-style: chr12-32793212-C-T.
Other names: c.2301C>T, p.Asp767= (NM_001304481.2); c.1014C>T, p.Asp338= (NM_001304484.2); c.1767C>T, p.Asp589= (NM_001330373.2, NM_001330374.2, NM_001384130.1); c.1494C>T, p.Asp498= (NM_001370297.1); c.2457C>T, p.Asp819= (NM_001384126.1); c.2046C>T, p.Asp682= (NM_001384127.1, NM_001384128.1, NM_001385118.1 and 1 more transcripts).
Identifiers: ClinVar variation 2049082 (VCV002049082.5), dbSNP rs371833051, ClinGen allele CA6507107.